The following is an entry in ClinVar:

ClinVar aggregate classification (germline): Uncertain significance (1 of 4 stars; one submission).

Conditions:
Fanconi anemia (FA). Also called: Fanconi's anemia. Identifiers: Orphanet 84, MedGen C0015625, MeSH D005199, MONDO:0019391.

Allele frequency attached by ClinVar (database versions not stated): gnomAD 0.00001; gnomAD exomes 0.00001; ExAC 0.00002; TOPMed 0.00003.
gnomAD v4.1: 15 of 1,614,012 alleles (0.00093%); highest among the groups gnomAD compares: Non-Finnish European, 0.0012%; no homozygotes.

Submission:

Labcorp Genetics (formerly Invitae), Labcorp
Classification: Uncertain significance for Fanconi anemia. Last evaluated: 2022-03-12. Review status: criteria provided, single submitter. Criteria: Invitae Variant Classification Sherloc (09022015). Collection method: clinical testing. Allele origin: germline.
Comment: This sequence change replaces cysteine, which is neutral and slightly polar, with arginine, which is basic and polar, at codon 156 of the FANCI protein (p.Cys156Arg). This variant is present in population databases (rs754278545, gnomAD 0.004%). This variant has not been reported in the literature in individuals affected with FANCI-related conditions. Algorithms developed to predict the effect of missense changes on protein structure and function are either unavailable or do not agree on the potential impact of this missense change (SIFT: "Deleterious"; PolyPhen-2: "Benign"; Align-GVGD: "Class C0"). In summary, the available evidence is currently insufficient to determine the role of this variant in disease. Therefore, it has been classified as a Variant of Uncertain Significance.

NM_001113378.2(FANCI):c.466T>C (p.Cys156Arg)

Gene: FANCI (FA complementation group I; plus strand). Cytogenetic location: 15q26.1.
Variant type: single nucleotide variant.
Coding change: c.466T>C on transcript NM_001113378.2 (MANE Select); coding-DNA position 466, T replaced by C.
Protein change: p.Cys156Arg; replaces cysteine 156 with arginine.
Molecular consequence: missense variant.
Genome position (GRCh38, 1-based): chr15:89,261,841, T>C. VCF-style: chr15-89261841-T-C. GRCh37 (hg19) VCF-style: chr15-89805072-T-C.
Other names: c.187T>C, p.Cys63Arg (NM_001376910.1); c.466T>C, p.Cys156Arg (NM_001376911.1, NM_018193.3); short protein forms C156R, C63R.
Identifiers: ClinVar variation 2189175 (VCV002189175.1), dbSNP rs754278545, ClinGen allele CA7722633.
Genomic context (GRCh38, chr15:89,261,841, plus strand): 5'-CATAATCAAATTCATTGCTCAGTATATTTTGCATTTCTAGGTGTACTGAGTGGGGAAGAA[T>C]GTAAGAAACAGTTGATTAACACCCTGTGTTCTGGCAGGTGAGTCTTGTTAATATGTATAA-3'
Protein context (NP_001106849.1, residues 146-166): YGKGVLSGEE[Cys156Arg]KKQLINTLCS